The following is an entry in ClinVar:

ClinVar aggregate classification (germline): Pathogenic (1 of 4 stars; one submission).

gnomAD v4.1: 1 of 1,610,672 alleles (0.000062%); highest among the groups gnomAD compares: South Asian, 0.0011%; no homozygotes.

Submission:

Labcorp Genetics (formerly Invitae), Labcorp
Classification: Pathogenic. Last evaluated: 2024-11-13. Review status: criteria provided, single submitter. Criteria: Invitae Variant Classification Sherloc (09022015). Collection method: clinical testing. Allele origin: germline.
Comment: This sequence change creates a premature translational stop signal (p.Gln1730*) in the CPLANE1 gene. It is expected to result in an absent or disrupted protein product. Loss-of-function variants in CPLANE1 are known to be pathogenic (PMID: 24178751, 26092869). This variant is present in population databases (no rsID available, gnomAD 0.003%). This variant has not been reported in the literature in individuals affected with CPLANE1-related conditions. For these reasons, this variant has been classified as Pathogenic.

Literature cited by the submitters: PubMed 24178751; PubMed 26092869.

NM_001384732.1(CPLANE1):c.5188C>T (p.Gln1730Ter)

Gene: CPLANE1 (ciliogenesis and planar polarity effector complex subunit 1; minus strand). Cytogenetic location: 5p13.2.
Variant type: single nucleotide variant.
Coding change: c.5188C>T on transcript NM_001384732.1 (MANE Select); coding-DNA position 5188, C replaced by T.
Protein change: p.Gln1730Ter; replaces glutamine 1730 with a stop codon.
Molecular consequence: nonsense.
Genome position (GRCh38, 1-based): chr5:37,182,993, G>A on the plus strand (C>T on the coding strand, the complement: CPLANE1 is on the minus strand). VCF-style: chr5-37182993-G-A. GRCh37 (hg19) VCF-style: chr5-37183095-G-A.
Other names: c.5188C>T, p.Gln1730Ter (NM_023073.4); short protein forms Q1730*.
Identifiers: ClinVar variation 3725126 (VCV003725126.2).